The following is an entry in ClinVar:

ClinVar aggregate classification (germline): Uncertain significance (1 of 4 stars; one submission).

Conditions:
Tuberous sclerosis 2 (TSC2). Identifiers: Orphanet 805, MedGen C1860707, MONDO:0013199, OMIM 613254.

Submission:

Labcorp Genetics (formerly Invitae), Labcorp
Classification: Uncertain significance for Tuberous sclerosis 2. Last evaluated: 2022-07-23. Review status: criteria provided, single submitter. Criteria: Invitae Variant Classification Sherloc (09022015). Collection method: clinical testing. Allele origin: germline.
Comment: In summary, the available evidence is currently insufficient to determine the role of this variant in disease. Therefore, it has been classified as a Variant of Uncertain Significance. Advanced modeling of protein sequence and biophysical properties (such as structural, functional, and spatial information, amino acid conservation, physicochemical variation, residue mobility, and thermodynamic stability) performed at Invitae indicates that this missense variant is not expected to disrupt TSC2 protein function. This variant has not been reported in the literature in individuals affected with TSC2-related conditions. This variant is not present in population databases (gnomAD no frequency). This sequence change replaces aspartic acid, which is acidic and polar, with tyrosine, which is neutral and polar, at codon 1465 of the TSC2 protein (p.Asp1465Tyr).

NM_000548.5(TSC2):c.4393G>T (p.Asp1465Tyr)

Gene: TSC2 (TSC complex subunit 2; plus strand). Cytogenetic location: 16p13.3.
Variant type: single nucleotide variant.
Coding change: c.4393G>T on transcript NM_000548.5 (MANE Select); coding-DNA position 4393, G replaced by T.
Protein change: p.Asp1465Tyr; replaces aspartic acid 1465 with tyrosine.
Molecular consequence: missense variant.
Genome position (GRCh38, 1-based): chr16:2,084,615, G>T. VCF-style: chr16-2084615-G-T. GRCh37 (hg19) VCF-style: chr16-2134616-G-T.
Other names: c.4183G>T, p.Asp1395Tyr (NM_001406671.1); c.4180G>T, p.Asp1394Tyr (NM_001406673.1); c.4177G>T, p.Asp1393Tyr (NM_001406675.1); c.4174G>T, p.Asp1392Tyr (NM_001406676.1); c.4135G>T, p.Asp1379Tyr (NM_001406677.1); c.4081G>T, p.Asp1361Tyr (NM_001406678.1); c.2980G>T, p.Asp994Tyr (NM_001406689.1); c.2920G>T, p.Asp974Tyr (NM_001406690.1); and 26 more; short protein forms D1198Y, D1199Y, D1221Y, D1241Y, D1242Y, D1245Y, D1265Y, D1349Y.
Identifiers: ClinVar variation 1713439 (VCV001713439.5), dbSNP rs1425542648, ClinGen allele CA394301907.
Genomic context (GRCh38, chr16:2,084,615, plus strand): 5'-TTGCCTTCCAGCTCCCCCCGCTCGCCCAGTGGCCTCCGGCCCCGAGGTTACACCATCTCC[G>T]ACTCGGCCCCATCACGCAGGGGCAAGAGAGTAGAGAGGGACGCCTTAAAGAGCAGAGCCA-3'
Protein context (NP_000539.2, residues 1455-1475): GLRPRGYTIS[Asp1465Tyr]SAPSRRGKRV